The following is an entry in ClinVar:

ClinVar aggregate classification (germline): Pathogenic (1 of 4 stars; one submission).

Conditions:
Carney complex, type 1 (CNC1). Also called: CARNEY COMPLEX, TYPE I; CARNEY MYXOMA-ENDOCRINE COMPLEX. Identifiers: Orphanet 1359, MedGen C2607929, MONDO:0008057, OMIM 160980.

Submission:

Labcorp Genetics (formerly Invitae), Labcorp
Classification: Pathogenic for Carney complex, type 1. Last evaluated: 2022-02-18. Review status: criteria provided, single submitter. Criteria: Invitae Variant Classification Sherloc (09022015). Collection method: clinical testing. Allele origin: germline.
Comment: This sequence change creates a premature translational stop signal (p.Asp33Ilefs*96) in the PRKAR1A gene. It is expected to result in an absent or disrupted protein product. Loss-of-function variants in PRKAR1A are known to be pathogenic (PMID: 11115848, 19293268). For these reasons, this variant has been classified as Pathogenic. This variant has not been reported in the literature in individuals affected with PRKAR1A-related conditions. This variant is not present in population databases (gnomAD no frequency).

Literature cited by the submitters: PubMed 11115848; PubMed 19293268.

NM_002734.5(PRKAR1A):c.97del (p.Asp33fs)

Gene: PRKAR1A (protein kinase cAMP-dependent type I regulatory subunit alpha; plus strand). Cytogenetic location: 17q24.2.
Variant type: Deletion.
Coding change: c.97del on transcript NM_002734.5 (MANE Select); coding-DNA position 97, one base deleted (G; older notation c.97delG).
Protein change: p.Asp33fs; shifts the reading frame from aspartic acid 33.
Molecular consequence: frameshift variant.
Genome position (GRCh38, 1-based): chr17:68,515,496, G deleted. VCF-style (leftmost placement, unchanged base first): chr17-68515495-AG-A. GRCh37 (hg19) VCF-style: chr17-66511636-AG-A.
Other names: c.97del, p.Asp33fs (NM_001276289.2, NM_001276290.1, NM_001278433.2 and 4 more transcripts); short protein forms D33fs.
Identifiers: ClinVar variation 1393898 (VCV001393898.6), dbSNP rs2143151469, ClinGen allele CA2573154857.